The following is an entry in ClinVar:

NM_001131016.2(CIZ1):c.790A>G (p.Ser264Gly)

Gene: CIZ1 (CDKN1A interacting zinc finger protein 1; minus strand). Cytogenetic location: 9q34.11.
Variant type: single nucleotide variant.
Coding change: c.790A>G on transcript NM_001131016.2 (MANE Select); coding-DNA position 790, A replaced by G.
Protein change: p.Ser264Gly; replaces serine 264 with glycine.
Molecular consequence: missense variant.
Genome position (GRCh38, 1-based): chr9:128,180,416, T>C on the plus strand (A>G on the coding strand, the complement: CIZ1 is on the minus strand). VCF-style: chr9-128180416-T-C. GRCh37 (hg19) VCF-style: chr9-130942695-T-C.
Other names: c.790A>G, p.Ser264Gly (NM_001131015.2, NM_012127.3); c.775A>G, p.Ser259Gly (NM_001131017.2); c.718A>G, p.Ser240Gly (NM_001131018.2); c.880A>G, p.Ser294Gly (NM_001257975.2); c.487A>G, p.Ser163Gly (NM_001257976.2); short protein forms S264G, S163G, S294G, S240G, S259G.
Identifiers: ClinVar variation 39708 (VCV000039708.7), dbSNP rs397514566, ClinGen allele CA130476.

ClinVar aggregate classification (germline): Uncertain significance. Review status: criteria provided, single submitter (1 of 4 stars). 2 submissions from 2 submitters: Uncertain significance (1). 1 of the submissions does not count toward it. Last evaluated 2025-09-17.

Conditions:
Dystonic disorder. Also called: Dystonia. Identifiers: MedGen C0013421, MONDO:0003441, HP:0001332.
Variant of unknown significance. Identifiers: MedGen C2986382.

Allele frequency attached by ClinVar (database versions not stated): ExAC 0.00001; TOPMed 0.00001; gnomAD 0.00001; gnomAD exomes below 0.00001.
gnomAD v4.1: 14 of 1,612,782 alleles (0.00087%); highest among the groups gnomAD compares: Non-Finnish European, 0.0011%; no homozygotes.

Submissions (2):

Labcorp Genetics (formerly Invitae), Labcorp
Classification: Uncertain significance for Dystonic disorder. Last evaluated: 2025-09-17. Review status: criteria provided, single submitter. Criteria: Invitae Variant Classification Sherloc (09022015). Collection method: clinical testing. Allele origin: germline.
Comment: This sequence change replaces serine, which is neutral and polar, with glycine, which is neutral and non-polar, at codon 264 of the CIZ1 protein (p.Ser264Gly). This variant is present in population databases (rs397514566, gnomAD 0.0009%). This missense change has been observed in individual(s) with primary dystonia (PMID: 22447717). ClinVar contains an entry for this variant (Variation ID: 39708). An algorithm developed to predict the effect of missense changes on protein structure and function (PolyPhen-2) suggests that this variant is likely to be tolerated. Experimental studies have shown that this missense change affects CIZ1 function (PMID: 22447717). Algorithms developed to predict the effect of sequence changes on RNA splicing suggest that this variant may disrupt the consensus splice site. In summary, the available evidence is currently insufficient to determine the role of this variant in disease. Therefore, it has been classified as a Variant of Uncertain Significance.

OMIM
Classification: Uncertain significance for VARIANT OF UNKNOWN SIGNIFICANCE. Last evaluated: 2012-04-01. Review status: no assertion criteria provided. Collection method: literature only. Allele origin: germline. Not counted in ClinVar's aggregate classification.

Literature cited by the submitters: PubMed 22447717 (cited by Labcorp Genetics (formerly Invitae), Labcorp and OMIM).